The following is an entry in ClinVar:

NM_013275.6(ANKRD11):c.4561G>A (p.Glu1521Lys)

Gene: ANKRD11 (ankyrin repeat domain 11; minus strand). Cytogenetic location: 16q24.3.
Variant type: single nucleotide variant.
Coding change: c.4561G>A on transcript NM_013275.6 (MANE Select); coding-DNA position 4561, G replaced by A.
Protein change: p.Glu1521Lys; replaces glutamic acid 1521 with lysine.
Molecular consequence: missense variant.
Genome position (GRCh38, 1-based): chr16:89,281,981, C>T on the plus strand (G>A on the coding strand, the complement: ANKRD11 is on the minus strand). VCF-style: chr16-89281981-C-T. GRCh37 (hg19) VCF-style: chr16-89348389-C-T.
Other names: c.4561G>A, p.Glu1521Lys (NM_001256182.2, NM_001256183.2); short protein forms E1521K.
Identifiers: ClinVar variation 1432636 (VCV001432636.10), dbSNP rs1332875546, ClinGen allele CA397157309.
Genomic context (GRCh38, chr16:89,281,981, plus strand): 5'-CTTTCTCTGCACCGTCCTTGAATTTCTCCTTCAGTTTGGCATCGCCGAGCCTCGGGCCCT[C>T]GTCCCTGGACTTGTCTTTGAGCACGCGGGGCGGGCTGTCCTTGTCCCTGGTGGCGGGCTT-3'
Protein context (NP_037407.4, residues 1511-1531): PRVLKDKSRD[Glu1521Lys]GPRLGDAKLK

ClinVar aggregate classification (germline): Uncertain significance. Review status: criteria provided, multiple submitters, no conflicts (2 of 4 stars). 2 submissions from 2 submitters: Uncertain significance (2). Last evaluated 2024-06-18.

Conditions:
KBG syndrome (KBGS). Also called: ANKRD11-Related KBG Syndrome. Identifiers: Orphanet 2332, MedGen C0220687, MONDO:0007846, OMIM 148050.

Allele frequency attached by ClinVar (database versions not stated): gnomAD exomes below 0.00001; gnomAD 0.00001.
gnomAD v4.1: 6 of 1,612,846 alleles (0.00037%); highest among the groups gnomAD compares: African/African-American, 0.0013%; no homozygotes.

Submissions (2):

Fulgent Genetics
Classification: Uncertain significance for KBG syndrome. Last evaluated: 2024-06-18. Review status: criteria provided, single submitter. Criteria: ACMG Guidelines, 2015. Collection method: clinical testing. Allele origin: germline.

Labcorp Genetics (formerly Invitae), Labcorp
Classification: Uncertain significance for KBG syndrome. Last evaluated: 2023-07-07. Review status: criteria provided, single submitter. Criteria: Invitae Variant Classification Sherloc (09022015). Collection method: clinical testing. Allele origin: germline.
Comment: In summary, the available evidence is currently insufficient to determine the role of this variant in disease. Therefore, it has been classified as a Variant of Uncertain Significance. Advanced modeling of protein sequence and biophysical properties (such as structural, functional, and spatial information, amino acid conservation, physicochemical variation, residue mobility, and thermodynamic stability) performed at Invitae indicates that this missense variant is not expected to disrupt ANKRD11 protein function. ClinVar contains an entry for this variant (Variation ID: 1432636). This variant has not been reported in the literature in individuals affected with ANKRD11-related conditions. This variant is present in population databases (no rsID available, gnomAD 0.003%). This sequence change replaces glutamic acid, which is acidic and polar, with lysine, which is basic and polar, at codon 1521 of the ANKRD11 protein (p.Glu1521Lys).